The following is an entry in ClinVar:

NM_173648.4(CCDC141):c.3879G>C (p.Gln1293His)

Gene: CCDC141 (coiled-coil domain containing 141; minus strand). Cytogenetic location: 2q31.2.
Variant type: single nucleotide variant.
Coding change: c.3879G>C on transcript NM_173648.4 (MANE Select); coding-DNA position 3879, G replaced by C.
Protein change: p.Gln1293His; replaces glutamine 1293 with histidine.
Molecular consequence: missense variant.
Genome position (GRCh38, 1-based): chr2:178,837,340, C>G on the plus strand (G>C on the coding strand, the complement: CCDC141 is on the minus strand). VCF-style: chr2-178837340-C-G. GRCh37 (hg19) VCF-style: chr2-179702067-C-G.
Other names: short protein forms Q1293H.
Identifiers: ClinVar variation 3996487 (VCV003996487.3).

ClinVar aggregate classification (germline): Uncertain significance. Review status: criteria provided, multiple submitters, no conflicts (2 of 4 stars). 3 submissions from 3 submitters: Uncertain significance (3). Last evaluated 2026-02-07.

Conditions:
CCDC141-related disorder. Also called: CCDC141-related condition.

gnomAD v4.1: 72 of 1,613,986 alleles (0.0045%); highest among the groups gnomAD compares: Non-Finnish European, 0.0059%; no homozygotes.

Submissions (3):

PreventionGenetics, part of Exact Sciences
Classification: Uncertain significance for CCDC141-related condition. Last evaluated: 2026-02-07. Review status: criteria provided, single submitter. Criteria: ACMG Guidelines, 2015. Collection method: clinical testing. Allele origin: germline.
Comment: The CCDC141 c.3879G>C variant is predicted to result in the amino acid substitution p.Gln1293His. To our knowledge, this variant has not been reported in the literature. This variant is reported in 0.016% of alleles in individuals of European (Non-Finnish) descent in gnomAD. At this time, the clinical significance of this variant is uncertain due to the absence of conclusive functional and genetic evidence.

Labcorp Genetics (formerly Invitae), Labcorp
Classification: Uncertain significance. Last evaluated: 2025-12-27. Review status: criteria provided, single submitter. Criteria: Invitae Variant Classification Sherloc (09022015). Collection method: clinical testing. Allele origin: germline.
Comment: This sequence change replaces glutamine, which is neutral and polar, with histidine, which is basic and polar, at codon 1293 of the CCDC141 protein (p.Gln1293His). This variant is present in population databases (rs369418999, gnomAD 0.02%). This variant has not been reported in the literature in individuals affected with CCDC141-related conditions. ClinVar contains an entry for this variant (Variation ID: 3996487). An algorithm developed to predict the effect of missense changes on protein structure and function outputs the following: PolyPhen-2: "Benign". The histidine amino acid residue is found in multiple mammalian species, which suggests that this missense change does not adversely affect protein function. In summary, the available evidence is currently insufficient to determine the role of this variant in disease. Therefore, it has been classified as a Variant of Uncertain Significance.

Ambry Genetics
Classification: Uncertain significance. Last evaluated: 2025-03-20. Review status: criteria provided, single submitter. Criteria: Ambry Variant Classification Scheme 2023. Collection method: clinical testing. Allele origin: germline.